The following is an entry in ClinVar:

ClinVar aggregate classification (germline): Likely pathogenic (1 of 4 stars; one submission).

Conditions:
Hypohidrotic X-linked ectodermal dysplasia (XHED). Also called: ECTODERMAL DYSPLASIA, HYPOHIDROTIC, 1; CST SYNDROME; ECTODERMAL DYSPLASIA 1, HYPOHIDROTIC, X-LINKED; Ectodermal Dysplasia 1, Anhidrotic; Christ Siemens Touraine syndrome; Christ-Siemans-Touraine syndrome. Identifiers: Orphanet 181, Orphanet 238468, MedGen C0162359, MONDO:0010585, OMIM 305100.

Submission:

Labcorp Genetics (formerly Invitae), Labcorp
Classification: Likely pathogenic for Hypohidrotic X-linked ectodermal dysplasia. Last evaluated: 2020-08-03. Review status: criteria provided, single submitter. Criteria: Invitae Variant Classification Sherloc (09022015). Collection method: clinical testing. Allele origin: germline.
Comment: In summary, the currently available evidence indicates that the variant is pathogenic, but additional data are needed to prove that conclusively. Therefore, this variant has been classified as Likely Pathogenic. Variants that disrupt the p.Tyr61 amino acid residue in EDA have been observed in affected individuals (PMID: 8696334). This suggests that it is a clinically significant residue, and that other variants that disrupt this residue are likely to be causative of disease. Algorithms developed to predict the effect of missense changes on protein structure and function are either unavailable or do not agree on the potential impact of this missense change (SIFT: "Deleterious"; PolyPhen-2: "Benign"; Align-GVGD: "Class C0"). This variant is not present in population databases (ExAC no frequency). This sequence change replaces tyrosine with asparagine at codon 61 of the EDA protein (p.Tyr61Asn). The tyrosine residue is moderately conserved and there is a large physicochemical difference between tyrosine and asparagine.

Literature cited by the submitters: PubMed 8696334.

NM_001399.5(EDA):c.181T>A (p.Tyr61Asn)

Gene: EDA (ectodysplasin A; plus strand). Cytogenetic location: Xq13.1.
Variant type: single nucleotide variant.
Coding change: c.181T>A on transcript NM_001399.5 (MANE Select); coding-DNA position 181, T replaced by A.
Protein change: p.Tyr61Asn; replaces tyrosine 61 with asparagine.
Molecular consequence: missense variant.
Genome position (GRCh38, 1-based): chrX:69,616,489, T>A. VCF-style: chrX-69616489-T-A. GRCh37 (hg19) VCF-style: chrX-68836333-T-A.
Other names: c.181T>A, p.Tyr61Asn (NM_001005609.2, NM_001005610.4, NM_001005612.3 and 1 more transcripts); short protein forms Y61N.
Identifiers: ClinVar variation 656399 (VCV000656399.8), dbSNP rs132630308, ClinGen allele CA413447243.